The following is an entry in ClinVar:

ClinVar aggregate classification (germline): Uncertain significance (1 of 4 stars; one submission).

Submission:

Labcorp Genetics (formerly Invitae), Labcorp
Classification: Uncertain significance. Last evaluated: 2024-08-22. Review status: criteria provided, single submitter. Criteria: Invitae Variant Classification Sherloc (09022015). Collection method: clinical testing. Allele origin: germline.
Comment: This sequence change replaces serine, which is neutral and polar, with arginine, which is basic and polar, at codon 740 of the ALPK3 protein (p.Ser740Arg). This variant is not present in population databases (gnomAD no frequency). This variant has not been reported in the literature in individuals affected with ALPK3-related conditions. An algorithm developed to predict the effect of missense changes on protein structure and function (PolyPhen-2) suggests that this variant is likely to be disruptive. In summary, the available evidence is currently insufficient to determine the role of this variant in disease. Therefore, it has been classified as a Variant of Uncertain Significance.

NM_020778.5(ALPK3):c.1614C>A (p.Ser538Arg)

Genes: ALPK3 (alpha kinase 3; plus strand), LOC111718493 (skeletal muscle cis-regulatory module overlapping ALPK3; plus strand). Cytogenetic location: 15q25.3.
Variant type: single nucleotide variant.
Coding change: c.1614C>A on transcript NM_020778.5 (MANE Select); coding-DNA position 1614, C replaced by A.
Protein change: p.Ser538Arg; replaces serine 538 with arginine.
Molecular consequence: missense variant.
Genome position (GRCh38, 1-based): chr15:84,840,893, C>A. VCF-style: chr15-84840893-C-A. GRCh37 (hg19) VCF-style: chr15-85384124-C-A.
Other names: short protein forms S538R.
Identifiers: ClinVar variation 3683995 (VCV003683995.2).